The following is an entry in ClinVar:

ClinVar aggregate classification (germline): Uncertain significance (1 of 4 stars; one submission).

Conditions:
Familial focal epilepsy with variable foci (FPEVF). Identifiers: Orphanet 98820, MedGen C1858477, MONDO:0020310.

Submission:

Labcorp Genetics (formerly Invitae), Labcorp
Classification: Uncertain significance for Familial focal epilepsy with variable foci. Last evaluated: 2022-06-18. Review status: criteria provided, single submitter. Criteria: Invitae Variant Classification Sherloc (09022015). Collection method: clinical testing. Allele origin: germline.
Comment: A copy number gain of the genomic region encompassing the full coding sequence of the DEPDC5 gene has been identified. The boundaries of this event are unknown as they extend beyond the assayed region for this gene and therefore may encompass additional genes. As the precise location of this event is unknown, it may be in tandem or it may be located elsewhere in the genome. This variant has not been reported in the literature in individuals affected with DEPDC5-related conditions. In summary, the available evidence is currently insufficient to determine the role of this variant in disease. Therefore, it has been classified as a Variant of Uncertain Significance.

NC_000022.10:g.(?_32150908)_(32302483_?)dup

Gene: DEPDC5 (DEP domain containing 5, GATOR1 subcomplex subunit; plus strand). Cytogenetic location: 22q12.2-12.3.
Variant type: Duplication.
Identifiers: ClinVar variation 2424006 (VCV002424006.3).